The following is an entry in ClinVar:

ClinVar aggregate classification (germline): Uncertain significance (1 of 4 stars; one submission).

Conditions:
Inborn genetic diseases. Identifiers: MedGen C0950123, MeSH D030342.

Submission:

Ambry Genetics
Classification: Uncertain significance for Inborn genetic diseases. Last evaluated: 2024-08-05. Review status: criteria provided, single submitter. Criteria: Ambry Variant Classification Scheme 2023. Collection method: clinical testing. Allele origin: germline.
Comment: The p.E18K variant (also known as c.52G>A), located in coding exon 2 of the BUB1B gene, results from a G to A substitution at nucleotide position 52. The glutamic acid at codon 18 is replaced by lysine, an amino acid with similar properties. This amino acid position is conserved. In addition, this alteration is predicted to be tolerated by in silico analysis. Based on the available evidence, the clinical significance of this variant remains unclear.

NM_001211.6(BUB1B):c.52G>A (p.Glu18Lys)

Gene: BUB1B (BUB1 mitotic checkpoint serine/threonine kinase B; plus strand). Cytogenetic location: 15q15.1.
Variant type: single nucleotide variant.
Coding change: c.52G>A on transcript NM_001211.6 (MANE Select); coding-DNA position 52, G replaced by A.
Protein change: p.Glu18Lys; replaces glutamic acid 18 with lysine.
Molecular consequence: missense variant.
Genome position (GRCh38, 1-based): chr15:40,165,069, G>A. VCF-style: chr15-40165069-G-A. GRCh37 (hg19) VCF-style: chr15-40457270-G-A.
Other names: short protein forms E18K.
Identifiers: ClinVar variation 3483163 (VCV003483163.1).